The following is an entry in ClinVar:

ClinVar aggregate classification (germline): Uncertain significance (1 of 4 stars; one submission).

Submission:

Labcorp Genetics (formerly Invitae), Labcorp
Classification: Uncertain significance. Last evaluated: 2021-09-18. Review status: criteria provided, single submitter. Criteria: Invitae Variant Classification Sherloc (09022015). Collection method: clinical testing. Allele origin: germline.
Comment: This sequence change replaces alanine with serine at codon 272 of the EARS2 protein (p.Ala272Ser). The alanine residue is moderately conserved and there is a moderate physicochemical difference between alanine and serine. This variant is not present in population databases (ExAC no frequency). This missense change has been observed in individual(s) with EARS2-related conditions (Invitae). Algorithms developed to predict the effect of missense changes on protein structure and function are either unavailable or do not agree on the potential impact of this missense change (SIFT: "Tolerated"; PolyPhen-2: "Probably Damaging"; Align-GVGD: "Class C0"). In summary, the available evidence is currently insufficient to determine the role of this variant in disease. Therefore, it has been classified as a Variant of Uncertain Significance.

NM_001083614.2(EARS2):c.814G>T (p.Ala272Ser)

Gene: EARS2 (glutamyl-tRNA synthetase 2, mitochondrial; minus strand). Cytogenetic location: 16p12.2.
Variant type: single nucleotide variant.
Coding change: c.814G>T on transcript NM_001083614.2 (MANE Select); coding-DNA position 814, G replaced by T.
Protein change: p.Ala272Ser; replaces alanine 272 with serine.
Molecular consequence: missense variant. On other transcripts: non-coding transcript variant (1).
Genome position (GRCh38, 1-based): chr16:23,535,032, C>A on the plus strand (G>T on the coding strand, the complement: EARS2 is on the minus strand). VCF-style: chr16-23535032-C-A. GRCh37 (hg19) VCF-style: chr16-23546353-C-A.
Other names: c.814G>T, p.Ala272Ser (NM_001308211.1); short protein forms A272S.
Identifiers: ClinVar variation 1513799 (VCV001513799.6), dbSNP rs749912939, ClinGen allele CA395133291.